The following is an entry in ClinVar:

NM_000551.4(VHL):c.*1721C>G

Genes: VHL (von Hippel-Lindau tumor suppressor; plus strand), LOC107303340 (3p25 von Hippel-Lindau tumor suppressor, E3 ubiquitin protein ligase Alu-mediated recombination region; plus strand). Cytogenetic location: 3p25.3.
Variant type: single nucleotide variant.
Coding change: c.*1721C>G on transcript NM_000551.4 (MANE Select); 1721 bases downstream of the stop codon, C replaced by G.
Molecular consequence: 3 prime UTR variant.
Genome position (GRCh38, 1-based): chr3:10,151,686, C>G. VCF-style: chr3-10151686-C-G. GRCh37 (hg19) VCF-style: chr3-10193370-C-G.
Other names: c.*1917C>G (NM_001354723.2); c.*1721C>G (NM_198156.3).
Identifiers: ClinVar variation 342446 (VCV000342446.5), dbSNP rs574191130, ClinGen allele CA10614835.

ClinVar aggregate classification (germline): Benign (1 of 4 stars; one submission).

Conditions:
Von Hippel-Lindau syndrome (VHLS). Also called: Von Hippel-Lindau; von Hippel–Lindau syndrome; VHL syndrome. Identifiers: Orphanet 892, MedGen C0019562, MONDO:0008667, OMIM 193300. Disease mechanism: loss of function.

Allele frequency attached by ClinVar (database versions not stated): gnomAD exomes 0.00005; gnomAD 0.00036 and 0.00037; TOPMed 0.00044; 1000 Genomes Project 30x 0.00062; 1000 Genomes Project 0.00080.
gnomAD v4.1: 59 of 211,986 alleles (0.028%); highest among the groups gnomAD compares: African/African-American, 0.12%; no homozygotes.

Submission:

Illumina Laboratory Services, Illumina
Classification: Benign for Von Hippel-Lindau syndrome. Last evaluated: 2018-01-12. Review status: criteria provided, single submitter. Criteria: ICSL Variant Classification Criteria 13 December 2019. Collection method: clinical testing. Allele origin: germline.
Comment: This variant was observed in the ICSL laboratory as part of a predisposition screen in an ostensibly healthy population. It had not been previously curated by ICSL or reported in the Human Gene Mutation Database (HGMD: prior to June 1st, 2018), and was therefore a candidate for classification through an automated scoring system. Utilizing variant allele frequency, disease prevalence and penetrance estimates, and inheritance mode, an automated score was calculated to assess if this variant is too frequent to cause the disease. Based on the score and internal cut-off values, a variant classified as benign is not then subjected to further curation. The score for this variant resulted in a classification of benign for this disease.